The following is an entry in ClinVar:

ClinVar aggregate classification (germline): Uncertain significance. Review status: criteria provided, multiple submitters, no conflicts (2 of 4 stars). 4 submissions from 4 submitters: Uncertain significance (4). Last evaluated 2022-08-06.

Conditions:
BNAR syndrome. Also called: Bifid Nose With or Without Anorectal and Renal Anomalies (BNAR) Syndrome. Identifiers: Orphanet 217266, MedGen C2750433, MONDO:0012165, OMIM 608980.
Oculotrichoanal syndrome (MOTA). Also called: Manitoba Oculotrichoanal (MOTA) Syndrome; MARLES SYNDROME. Identifiers: Orphanet 2717, MedGen C1855425, MONDO:0009560, OMIM 248450.
Trigonocephaly 2 (TRIGNO2). Identifiers: Orphanet 3366, MedGen C3280974, MONDO:0013774, OMIM 614485.
Inborn genetic diseases. Identifiers: MedGen C0950123, MeSH D030342.

Allele frequency attached by ClinVar (database versions not stated): gnomAD 0.00003 and 0.00004; TOPMed 0.00006; gnomAD exomes 0.00026 and 0.00006; ExAC 0.00022.
gnomAD v4.1: 92 of 1,613,342 alleles (0.0057%); highest among the groups gnomAD compares: Admixed American, 0.078%; no homozygotes.

Submissions (4):

Labcorp Genetics (formerly Invitae), Labcorp
Classification: Uncertain significance. Last evaluated: 2022-08-06. Review status: criteria provided, single submitter. Criteria: Invitae Variant Classification Sherloc (09022015). Collection method: clinical testing. Allele origin: germline.
Comment: This sequence change replaces valine, which is neutral and non-polar, with isoleucine, which is neutral and non-polar, at codon 453 of the FREM1 protein (p.Val453Ile). This variant is present in population databases (rs748962196, gnomAD 0.1%). This variant has not been reported in the literature in individuals affected with FREM1-related conditions. ClinVar contains an entry for this variant (Variation ID: 1304737). Algorithms developed to predict the effect of missense changes on protein structure and function output the following: SIFT: "Tolerated"; PolyPhen-2: "Benign"; Align-GVGD: "Class C0". The isoleucine amino acid residue is found in multiple mammalian species, which suggests that this missense change does not adversely affect protein function. In summary, the available evidence is currently insufficient to determine the role of this variant in disease. Therefore, it has been classified as a Variant of Uncertain Significance.

Fulgent Genetics
Classification: Uncertain significance for Oculotrichoanal syndrome; BNAR syndrome; Trigonocephaly 2. Last evaluated: 2022-01-26. Review status: criteria provided, single submitter. Criteria: ACMG Guidelines, 2015. Collection method: clinical testing. Allele origin: unknown.

Ambry Genetics
Classification: Uncertain significance for Inborn genetic diseases. Last evaluated: 2021-08-09. Review status: criteria provided, single submitter. Criteria: Ambry Variant Classification Scheme 2023. Collection method: clinical testing. Allele origin: germline.

GeneDx
Classification: Uncertain significance. Last evaluated: 2020-07-20. Review status: criteria provided, single submitter. Criteria: GeneDx Variant Classification Process June 2021. Collection method: clinical testing. Allele origin: germline. Affected: yes.
Comment: In silico analysis supports that this missense variant does not alter protein structure/function; Has not been previously published as pathogenic or benign to our knowledge

NM_001379081.2(FREM1):c.1357G>A (p.Val453Ile)

Gene: FREM1 (FRAS1 related extracellular matrix 1; minus strand). Cytogenetic location: 9p22.3.
Variant type: single nucleotide variant.
Coding change: c.1357G>A on transcript NM_001379081.2 (MANE Select); coding-DNA position 1357, G replaced by A.
Protein change: p.Val453Ile; replaces valine 453 with isoleucine.
Molecular consequence: missense variant. On other transcripts: non-coding transcript variant (2).
Genome position (GRCh38, 1-based): chr9:14,845,996, C>T on the plus strand (G>A on the coding strand, the complement: FREM1 is on the minus strand). VCF-style: chr9-14845996-C-T. GRCh37 (hg19) VCF-style: chr9-14845994-C-T.
Other names: c.1357G>A, p.Val453Ile (NM_144966.7); short protein forms V453I.
Identifiers: ClinVar variation 1304737 (VCV001304737.5), dbSNP rs748962196, ClinGen allele CA4991272.